The following is an entry in ClinVar:

ClinVar aggregate classification (germline): Likely benign (1 of 4 stars; one submission).

gnomAD v4.1: 26 of 1,210,588 alleles (0.0021%); highest among the groups gnomAD compares: Non-Finnish European, 0.0023%; no homozygotes.

Submission:

CeGaT Center for Human Genetics Tuebingen
Classification: Likely benign. Last evaluated: 2024-09-01. Review status: criteria provided, single submitter. Criteria: CeGaT Center For Human Genetics Tuebingen Variant Classification Criteria Version 2. Collection method: clinical testing. Allele origin: germline. Affected: yes. Observed: 1 variant allele.
Comment: NHS: BS2

NM_001291867.2(NHS):c.2060A>G (p.Tyr687Cys)

Gene: NHS (NHS actin remodeling regulator; plus strand). Cytogenetic location: Xp22.13.
Variant type: single nucleotide variant.
Coding change: c.2060A>G on transcript NM_001291867.2 (MANE Select); coding-DNA position 2060, A replaced by G.
Protein change: p.Tyr687Cys; replaces tyrosine 687 with cysteine.
Molecular consequence: missense variant.
Genome position (GRCh38, 1-based): chrX:17,726,166, A>G. VCF-style: chrX-17726166-A-G. GRCh37 (hg19) VCF-style: chrX-17744286-A-G.
Other names: c.1529A>G, p.Tyr510Cys (NM_001136024.4); c.1466A>G, p.Tyr489Cys (NM_001291868.2); c.1997A>G, p.Tyr666Cys (NM_198270.4); short protein forms Y489C, Y510C, Y666C, Y687C.
Identifiers: ClinVar variation 3389265 (VCV003389265.14).